The following is an entry in ClinVar:

NM_030773.4(TUBB1):c.778T>G (p.Phe260Val)

Gene: TUBB1 (tubulin beta 1 class VI; plus strand). Cytogenetic location: 20q13.32.
Variant type: single nucleotide variant.
Coding change: c.778T>G on transcript NM_030773.4 (MANE Select); coding-DNA position 778, T replaced by G.
Protein change: p.Phe260Val; replaces phenylalanine 260 with valine.
Molecular consequence: missense variant.
Genome position (GRCh38, 1-based): chr20:59,024,205, T>G. VCF-style: chr20-59024205-T-G. GRCh37 (hg19) VCF-style: chr20-57599260-T-G.
Other names: short protein forms F260V.
Identifiers: ClinVar variation 4744428 (VCV004744428.1).
Genomic context (GRCh38, chr20:59,024,205, plus strand): 5'-CTCCGGTTCCCGGGTCAGCTCAACGCAGACCTGCGCAAGCTGGCGGTGAACATGGTCCCC[T>G]TCCCCCGCCTGCACTTCTTTATGCCCGGCTTTGCCCCACTCACGGCCCAGGGCAGCCAGC-3'
Protein context (NP_110400.1, residues 250-270): LRKLAVNMVP[Phe260Val]PRLHFFMPGF

ClinVar aggregate classification (germline): Uncertain significance (1 of 4 stars; one submission).

gnomAD v4.1: 7 of 1,614,176 alleles (0.00043%); highest among the groups gnomAD compares: Non-Finnish European, 0.00059%; no homozygotes.

Submission:

Labcorp Genetics (formerly Invitae), Labcorp
Classification: Uncertain significance. Last evaluated: 2025-08-26. Review status: criteria provided, single submitter. Criteria: Invitae Variant Classification Sherloc (09022015). Collection method: clinical testing. Allele origin: germline.
Comment: This sequence change replaces phenylalanine, which is neutral and non-polar, with valine, which is neutral and non-polar, at codon 260 of the TUBB1 protein (p.Phe260Val). This variant is not present in population databases (gnomAD no frequency). This variant has not been reported in the literature in individuals affected with TUBB1-related conditions. Invitae Evidence Modeling of protein sequence and biophysical properties (such as structural, functional, and spatial information, amino acid conservation, physicochemical variation, residue mobility, and thermodynamic stability) indicates that this missense variant is expected to disrupt TUBB1 protein function with a positive predictive value of 80%. This variant disrupts the p.Phe260 amino acid residue in TUBB1. Other variant(s) that disrupt this residue have been determined to be pathogenic (PMID: 24344610; internal data). This suggests that this residue is clinically significant, and that variants that disrupt this residue are likely to be disease-causing. In summary, the available evidence is currently insufficient to determine the role of this variant in disease. Therefore, it has been classified as a Variant of Uncertain Significance.

Literature cited by the submitters: PubMed 24344610.